The following is an entry in ClinVar:

NM_004006.3(DMD):c.8547+6A>T

Gene: DMD (dystrophin; minus strand). Cytogenetic location: Xp21.2.
Variant type: single nucleotide variant.
Coding change: c.8547+6A>T on transcript NM_004006.3 (MANE Select); 6 bases into the intron after coding-DNA position 8547, A replaced by T.
Molecular consequence: intron variant.
Genome position (GRCh38, 1-based): chrX:31,496,782, T>A on the plus strand (A>T on the coding strand, the complement: DMD is on the minus strand). VCF-style: chrX-31496782-T-A. GRCh37 (hg19) VCF-style: chrX-31514899-T-A.
Other names: c.8523+6A>T (NM_000109.4); c.4524+6A>T (NM_004011.4); c.4515+6A>T (NM_004012.4); c.1167+6A>T (NM_004023.3, NM_004020.4, NM_004022.3 and 2 more transcripts); c.360+6A>T (NM_004014.3); c.8535+6A>T (NM_004009.3); c.8178+6A>T (NM_004010.3).
Identifiers: ClinVar variation 4763237 (VCV004763237.1).

ClinVar aggregate classification (germline): Uncertain significance (1 of 4 stars; one submission).

Conditions:
Duchenne muscular dystrophy (DMD). Also called: MUSCULAR DYSTROPHY, PSEUDOHYPERTROPHIC PROGRESSIVE, DUCHENNE TYPE; Duchenne Muscular Dystrophy (DMD). Identifiers: Orphanet 98896, MedGen C0013264, MONDO:0010679, OMIM 310200.

Submission:

Labcorp Genetics (formerly Invitae), Labcorp
Classification: Uncertain significance for Duchenne muscular dystrophy. Last evaluated: 2025-09-07. Review status: criteria provided, single submitter. Criteria: Invitae Variant Classification Sherloc (09022015). Collection method: clinical testing. Allele origin: germline.
Comment: This sequence change falls in intron 57 of the DMD gene. It does not directly change the encoded amino acid sequence of the DMD protein. It affects a nucleotide within the consensus splice site. This variant is not present in population databases (gnomAD no frequency). This variant has not been reported in the literature in individuals affected with DMD-related conditions. Variants that disrupt the consensus splice site are a relatively common cause of aberrant splicing (PMID: 17576681, 9536098). Algorithms developed to predict the effect of sequence changes on RNA splicing suggest that this variant is not likely to affect RNA splicing. In summary, the available evidence is currently insufficient to determine the role of this variant in disease. Therefore, it has been classified as a Variant of Uncertain Significance.

Literature cited by the submitters: PubMed 17576681; PubMed 9536098.